The following is an entry in ClinVar:

ClinVar aggregate classification (germline): Pathogenic (1 of 4 stars; one submission).

Conditions:
Cohen syndrome (COH1). Also called: PEPPER SYNDROME; Cutis verticis gyrata, retinitis pigmentosa, and sensorineural deafness. Identifiers: Orphanet 193, MedGen C0265223, MONDO:0008999, OMIM 216550.

Submission:

Labcorp Genetics (formerly Invitae), Labcorp
Classification: Pathogenic for Cohen syndrome. Last evaluated: 2021-02-04. Review status: criteria provided, single submitter. Criteria: Invitae Variant Classification Sherloc (09022015). Collection method: clinical testing. Allele origin: germline.
Comment: This sequence change creates a premature translational stop signal (p.Glu997Glyfs*19) in the VPS13B gene. It is expected to result in an absent or disrupted protein product. Loss-of-function variants in VPS13B are known to be pathogenic (PMID: 15141358, 16648375, 20461111). This variant is not present in population databases (ExAC no frequency). This variant has not been reported in the literature in individuals with VPS13B-related conditions. For these reasons, this variant has been classified as Pathogenic.

Literature cited by the submitters: PubMed 15141358; PubMed 16648375; PubMed 20461111.

NM_152564.5(VPS13B):c.2989dup (p.Glu997fs)

Gene: VPS13B (vacuolar protein sorting 13 homolog B; plus strand). Cytogenetic location: 8q22.2.
Variant type: Duplication.
Coding change: c.2989dup on transcript NM_152564.5 (MANE Select); coding-DNA position 2989, one base duplicated (G; older notation c.2989dupG).
Protein change: p.Glu997fs; shifts the reading frame from glutamic acid 997.
Molecular consequence: frameshift variant.
Genome position (GRCh38, 1-based): chr8:99,391,611, G duplicated. VCF-style (leftmost placement, unchanged base first): chr8-99391610-T-TG. GRCh37 (hg19) VCF-style: chr8-100403838-T-TG.
Other names: c.2989dup, p.Glu997fs (NM_017890.5); short protein forms E997fs.
Identifiers: ClinVar variation 1075321 (VCV001075321.7), dbSNP rs2133312597, ClinGen allele CA2499219470.